The following is an entry in ClinVar:

ClinVar aggregate classification (germline): Uncertain significance (1 of 4 stars; one submission).

Conditions:
Congenital sideroblastic anemia-B-cell immunodeficiency-periodic fever-developmental delay syndrome. Also called: Sideroblastic anemia with B-cell immunodeficiency, periodic fevers, and developmental delay. Identifiers: Orphanet 369861, MedGen C4015172, MONDO:0014487, OMIM 616084.

Submission:

Labcorp Genetics (formerly Invitae), Labcorp
Classification: Uncertain significance for Congenital sideroblastic anemia-B-cell immunodeficiency-periodic fever-developmental delay syndrome. Last evaluated: 2022-02-23. Review status: criteria provided, single submitter. Criteria: Invitae Variant Classification Sherloc (09022015). Collection method: clinical testing. Allele origin: germline.
Comment: In summary, the available evidence is currently insufficient to determine the role of this variant in disease. Therefore, it has been classified as a Variant of Uncertain Significance. Experimental studies and prediction algorithms are not available or were not evaluated, and the functional significance of this variant is currently unknown. This variant has not been reported in the literature in individuals affected with TRNT1-related conditions. This variant is not present in population databases (gnomAD no frequency). This sequence change creates a premature translational stop signal (p.Ile431Phefs*3) in the TRNT1 gene. While this is not anticipated to result in nonsense mediated decay, it is expected to disrupt the last 4 amino acid(s) of the TRNT1 protein.

NM_182916.3(TRNT1):c.1290_1291insTTTAA (p.Ile431fs)

Gene: TRNT1 (tRNA nucleotidyl transferase 1; plus strand). Cytogenetic location: 3p26.2.
Variant type: Insertion.
Coding change: c.1290_1291insTTTAA on transcript NM_182916.3 (MANE Select); coding-DNA positions 1290 to 1291, TTTAA inserted.
Protein change: p.Ile431fs; shifts the reading frame from isoleucine 431.
Molecular consequence: frameshift variant. On other transcripts: non-coding transcript variant (8).
Genome position: GRCh38 VCF-style: chr3-3148139-C-CTTTAA. GRCh37 (hg19) VCF-style: chr3-3189823-C-CTTTAA.
Other names: c.1230_1231insTTTAA, p.Ile411fs (NM_001302946.2); c.1290_1291insTTTAA, p.Ile431fs (NM_001367321.1, NM_001367322.1, NM_001367323.1); short protein forms I411fs, I431fs.
Identifiers: ClinVar variation 2102284 (VCV002102284.4), dbSNP rs2471358884, ClinGen allele CA2580069170.